The following is an entry in ClinVar:

ClinVar aggregate classification (germline): Uncertain significance (1 of 4 stars; one submission).

Conditions:
Inborn genetic diseases. Identifiers: MedGen C0950123, MeSH D030342.

Submission:

Ambry Genetics
Classification: Uncertain significance for Inborn genetic diseases. Last evaluated: 2026-07-11. Review status: criteria provided, single submitter. Criteria: Ambry Variant Classification Scheme 2023. Collection method: clinical testing. Allele origin: germline.
Comment: The p.G1218V variant (also known as c.3653G>T), located in coding exon 33 of the RTEL1 gene, results from a G to T substitution at nucleotide position 3653. The glycine at codon 1218 is replaced by valine, an amino acid with dissimilar properties. This amino acid position is conserved. In addition, this alteration is predicted to be tolerated by in silico analysis. Based on the available evidence, the clinical significance of this variant remains unclear.

NM_001283009.2(RTEL1):c.3653G>T (p.Gly1218Val)

Genes: RTEL1 (regulator of telomere elongation helicase 1; plus strand), RTEL1-TNFRSF6B (RTEL1-TNFRSF6B readthrough (NMD candidate); plus strand). Cytogenetic location: 20q13.33.
Variant type: single nucleotide variant.
Coding change: c.3653G>T on transcript NM_001283009.2 (MANE Select); coding-DNA position 3653, G replaced by T.
Protein change: p.Gly1218Val; replaces glycine 1218 with valine.
Molecular consequence: missense variant. On other transcripts: non-coding transcript variant (1), splice donor variant (3).
Genome position (GRCh38, 1-based): chr20:63,695,481, G>T. VCF-style: chr20-63695481-G-T. GRCh37 (hg19) VCF-style: chr20-62326834-G-T.
Other names: c.2983+1G>T (NM_001283010.1); c.3724+1G>T (NM_032957.5); c.3652+1G>T (NM_016434.4); short protein forms G1218V.
Identifiers: ClinVar variation 5028479 (VCV005028479.1).